The following is an entry in ClinVar:

ClinVar aggregate classification (germline): Likely benign. Review status: criteria provided, multiple submitters, no conflicts (2 of 4 stars). 2 submissions from 2 submitters: Likely benign (2). Last evaluated 2026-03-25.

Conditions:
Amyotrophic lateral sclerosis type 6. Also called: FUS-Related Amyotrophic Laterial Sclerosis; AMYOTROPHIC LATERAL SCLEROSIS 6 WITHOUT FRONTOTEMPORAL DEMENTIA; Amyotrophic lateral sclerosis 6, with or without frontotemporal dementia. Identifiers: Orphanet 275872, Orphanet 803, MedGen C2931786, MONDO:0011951, OMIM 608030.
Tremor, hereditary essential, 4 (ETM4). Identifiers: MedGen C3539195, MONDO:0013888, OMIM 614782.

Submissions (2):

Women's Health and Genetics/Laboratory Corporation of America, LabCorp
Classification: Likely benign. Last evaluated: 2026-03-25. Review status: criteria provided, single submitter. Criteria: LabCorp Variant Classification Summary - May 2015. Collection method: clinical testing. Allele origin: germline.
Comment: Variant summary: FUS c.1296C>T alters a conserved nucleotide resulting in a synonymous change. Consensus agreement among computation tools predict no significant impact on normal splicing. However, these predictions have yet to be confirmed by functional studies. The variant was absent in 251476 control chromosomes. The available data on variant occurrences in the general population are insufficient to allow any conclusion about variant significance. To our knowledge, no occurrence of c.1296C>T in individuals affected with FUS-related conditions and no experimental evidence demonstrating its impact on protein function have been reported. ClinVar contains an entry for this variant (Variation ID: 4789942). Based on the evidence outlined above, the variant was classified as likely benign.

Labcorp Genetics (formerly Invitae), Labcorp
Classification: Likely benign for Tremor, hereditary essential, 4; Amyotrophic lateral sclerosis type 6. Last evaluated: 2025-06-08. Review status: criteria provided, single submitter. Criteria: Invitae Variant Classification Sherloc (09022015). Collection method: clinical testing. Allele origin: germline.

NM_004960.4(FUS):c.1296C>T (p.Thr432=)

Gene: FUS (FUS RNA binding protein; plus strand). Cytogenetic location: 16p11.2.
Variant type: single nucleotide variant.
Coding change: c.1296C>T on transcript NM_004960.4 (MANE Select); coding-DNA position 1296, C replaced by T.
Protein change: p.Thr432=; no amino-acid change (threonine 432 retained).
Molecular consequence: synonymous variant. On other transcripts: non-coding transcript variant (1).
Genome position (GRCh38, 1-based): chr16:31,190,745, C>T. VCF-style: chr16-31190745-C-T. GRCh37 (hg19) VCF-style: chr16-31202066-C-T.
Other names: c.1293C>T, p.Thr431= (NM_001170634.1); c.1284C>T, p.Thr428= (NM_001170937.1).
Identifiers: ClinVar variation 4789942 (VCV004789942.2).
Genomic context (GRCh38, chr16:31,190,745, plus strand): 5'-TTCTAGGTCTTGCCTATTCCCCATCGCTCCAGACTGATTGTCTTCCTTTCTCCTTAGCAC[C>T]TGTGAGAATATGAACTTCTCTTGGAGGAATGAATGCAACCAGTGTAAGGCCCCTAAACCA-3'
Protein context (NP_004951.1, residues 422-442): RAGDWKCPNP[Thr432=]CENMNFSWRN